The following is an entry in ClinVar:

ClinVar aggregate classification (germline): Uncertain significance. Review status: criteria provided, multiple submitters, no conflicts (2 of 4 stars). 2 submissions from 2 submitters: Uncertain significance (2). Last evaluated 2025-11-30.

Allele frequency attached by ClinVar (database versions not stated): gnomAD 0.00001; gnomAD exomes 0.00001; TOPMed 0.00002; ESP Exome Variant Server 0.00008.
gnomAD v4.1: 19 of 1,614,102 alleles (0.0012%); highest among the groups gnomAD compares: Non-Finnish European, 0.0015%; no homozygotes.

Submissions (2):

Labcorp Genetics (formerly Invitae), Labcorp
Classification: Uncertain significance. Last evaluated: 2025-11-30. Review status: criteria provided, single submitter. Criteria: Invitae Variant Classification Sherloc (09022015). Collection method: clinical testing. Allele origin: germline.
Comment: This sequence change replaces aspartic acid, which is acidic and polar, with asparagine, which is neutral and polar, at codon 1573 of the FLNB protein (p.Asp1573Asn). This variant is present in population databases (rs373528171, gnomAD 0.007%). This variant has not been reported in the literature in individuals affected with FLNB-related conditions. ClinVar contains an entry for this variant (Variation ID: 439740). Invitae Evidence Modeling of protein sequence and biophysical properties (such as structural, functional, and spatial information, amino acid conservation, physicochemical variation, residue mobility, and thermodynamic stability) indicates that this missense variant is not expected to disrupt FLNB protein function with a negative predictive value of 95%. In summary, the available evidence is currently insufficient to determine the role of this variant in disease. Therefore, it has been classified as a Variant of Uncertain Significance.

ARUP Laboratories, Molecular Genetics and Genomics, ARUP Laboratories
Classification: Uncertain significance. Last evaluated: 2016-12-22. Review status: criteria provided, single submitter. Criteria: ARUP Molecular Germline Variant Investigation Process. Collection method: clinical testing. Allele origin: germline.

NM_001457.4(FLNB):c.4717G>A (p.Asp1573Asn)

Gene: FLNB (filamin B; plus strand). Cytogenetic location: 3p14.3.
Variant type: single nucleotide variant.
Coding change: c.4717G>A on transcript NM_001457.4 (MANE Select); coding-DNA position 4717, G replaced by A.
Protein change: p.Asp1573Asn; replaces aspartic acid 1573 with asparagine.
Molecular consequence: missense variant.
Genome position (GRCh38, 1-based): chr3:58,136,024, G>A. VCF-style: chr3-58136024-G-A. GRCh37 (hg19) VCF-style: chr3-58121751-G-A.
Other names: c.4810G>A, p.Asp1604Asn (NM_001164317.2); c.4717G>A, p.Asp1573Asn (NM_001164318.2, NM_001164319.2); short protein forms D1573N, D1604N.
Identifiers: ClinVar variation 439740 (VCV000439740.13), dbSNP rs373528171, ClinGen allele CA75459512.